The following is an entry in ClinVar:

ClinVar aggregate classification (germline): Uncertain significance (1 of 4 stars; one submission).

Submission:

Labcorp Genetics (formerly Invitae), Labcorp
Classification: Uncertain significance. Last evaluated: 2023-07-27. Review status: criteria provided, single submitter. Criteria: Invitae Variant Classification Sherloc (09022015). Collection method: clinical testing. Allele origin: germline.
Comment: This sequence change replaces glutamic acid, which is acidic and polar, with valine, which is neutral and non-polar, at codon 959 of the GRM1 protein (p.Glu959Val). This variant is not present in population databases (gnomAD no frequency). This variant has not been reported in the literature in individuals affected with GRM1-related conditions. An algorithm developed to predict the effect of missense changes on protein structure and function (PolyPhen-2) suggests that this variant is likely to be disruptive. In summary, the available evidence is currently insufficient to determine the role of this variant in disease. Therefore, it has been classified as a Variant of Uncertain Significance.

NM_001278064.2(GRM1):c.2876A>T (p.Glu959Val)

Gene: GRM1 (glutamate metabotropic receptor 1; plus strand). Cytogenetic location: 6q24.3.
Variant type: single nucleotide variant.
Coding change: c.2876A>T on transcript NM_001278064.2 (MANE Select); coding-DNA position 2876, A replaced by T.
Protein change: p.Glu959Val; replaces glutamic acid 959 with valine.
Molecular consequence: missense variant. On other transcripts: 3 prime UTR variant (3).
Genome position (GRCh38, 1-based): chr6:146,434,087, A>T. VCF-style: chr6-146434087-A-T. GRCh37 (hg19) VCF-style: chr6-146755223-A-T.
Other names: c.*240A>T (NM_001278065.2); c.*205A>T (NM_001278066.1); c.*114A>T (NM_001278067.1); short protein forms E959V.
Identifiers: ClinVar variation 2962625 (VCV002962625.3), dbSNP rs2484162288, ClinGen allele CA366192572.